The following is an entry in ClinVar:

NM_032802.4(SPPL2A):c.491C>T (p.Ser164Leu)

Gene: SPPL2A (signal peptide peptidase like 2A; minus strand). Cytogenetic location: 15q21.2.
Variant type: single nucleotide variant.
Coding change: c.491C>T on transcript NM_032802.4 (MANE Select); coding-DNA position 491, C replaced by T.
Protein change: p.Ser164Leu; replaces serine 164 with leucine.
Molecular consequence: missense variant.
Genome position (GRCh38, 1-based): chr15:50,747,588, G>A on the plus strand (C>T on the coding strand, the complement: SPPL2A is on the minus strand). VCF-style: chr15-50747588-G-A. GRCh37 (hg19) VCF-style: chr15-51039785-G-A.
Other names: short protein forms S164L.
Identifiers: ClinVar variation 1390525 (VCV001390525.6), dbSNP rs770556274, ClinGen allele CA7558492.

ClinVar aggregate classification (germline): Uncertain significance (1 of 4 stars; one submission).

Allele frequency attached by ClinVar (database versions not stated): gnomAD exomes below 0.00001; ExAC 0.00001.
gnomAD v4.1: 6 of 1,608,684 alleles (0.00037%); highest among the groups gnomAD compares: African/African-American, 0.008%; no homozygotes.

Submission:

Labcorp Genetics (formerly Invitae), Labcorp
Classification: Uncertain significance. Last evaluated: 2022-03-04. Review status: criteria provided, single submitter. Criteria: Invitae Variant Classification Sherloc (09022015). Collection method: clinical testing. Allele origin: germline.
Comment: Algorithms developed to predict the effect of missense changes on protein structure and function output the following: SIFT: "Tolerated"; PolyPhen-2: "Benign"; Align-GVGD: "Class C0". The leucine amino acid residue is found in multiple mammalian species, which suggests that this missense change does not adversely affect protein function. In summary, the available evidence is currently insufficient to determine the role of this variant in disease. Therefore, it has been classified as a Variant of Uncertain Significance. This variant has not been reported in the literature in individuals affected with SPPL2A-related conditions. This variant is present in population databases (rs770556274, gnomAD 0.01%). This sequence change replaces serine, which is neutral and polar, with leucine, which is neutral and non-polar, at codon 164 of the SPPL2A protein (p.Ser164Leu).